The following is an entry in ClinVar:

NM_014845.6(FIG4):c.2546+17A>C

Gene: FIG4 (FIG4 phosphoinositide 5-phosphatase; plus strand). Cytogenetic location: 6q21.
Variant type: single nucleotide variant.
Coding change: c.2546+17A>C on transcript NM_014845.6 (MANE Select); 17 bases into the intron after coding-DNA position 2546, A replaced by C.
Molecular consequence: intron variant.
Genome position (GRCh38, 1-based): chr6:109,796,868, A>C. VCF-style: chr6-109796868-A-C. GRCh37 (hg19) VCF-style: chr6-110118071-A-C.
Identifiers: ClinVar variation 668233 (VCV000668233.9), dbSNP rs1050332219, ClinGen allele CA145142503.

ClinVar aggregate classification (germline): Likely benign. Review status: criteria provided, multiple submitters, no conflicts (2 of 4 stars). 3 submissions from 3 submitters: Likely benign (3). Last evaluated 2026-02-18.

Conditions:
Charcot-Marie-Tooth disease type 4. Also called: Charcot-Marie-Tooth disease, type IV; Charcot-Marie-Tooth, Type 4. Identifiers: Orphanet 64749, MedGen C4082197, MONDO:0018995.

Allele frequency attached by ClinVar (database versions not stated): TOPMed 0.00003.
gnomAD v4.1: 13 of 1,397,670 alleles (0.00093%); highest among the groups gnomAD compares: Non-Finnish European, 0.0011%; no homozygotes.

Submissions (3):

Women's Health and Genetics/Laboratory Corporation of America, LabCorp
Classification: Likely benign. Last evaluated: 2026-02-18. Review status: criteria provided, single submitter. Criteria: LabCorp Variant Classification Summary - May 2015. Collection method: clinical testing. Allele origin: germline.

Labcorp Genetics (formerly Invitae), Labcorp
Classification: Likely benign for Charcot-Marie-Tooth disease type 4. Last evaluated: 2024-10-02. Review status: criteria provided, single submitter. Criteria: Invitae Variant Classification Sherloc (09022015). Collection method: clinical testing. Allele origin: germline.

GeneDx
Classification: Likely benign. Last evaluated: 2018-05-09. Review status: criteria provided, single submitter. Criteria: GeneDx Variant Classification (06012015). Collection method: clinical testing. Allele origin: germline. Affected: yes.
Comment: This variant is considered likely benign or benign based on one or more of the following criteria: it is a conservative change, it occurs at a poorly conserved position in the protein, it is predicted to be benign by multiple in silico algorithms, and/or has population frequency not consistent with disease.